The following is an entry in ClinVar:

ClinVar aggregate classification (germline): Likely benign. Review status: criteria provided, multiple submitters, no conflicts (2 of 4 stars). 2 submissions from 2 submitters: Likely benign (2). Last evaluated 2023-06-06.

Conditions:
Propionic acidemia (PROP). Also called: KETOTIC HYPERGLYCINEMIA; GLYCINEMIA, KETOTIC; HYPERGLYCINEMIA WITH KETOACIDOSIS AND LEUKOPENIA. Identifiers: Orphanet 35, MedGen C0268579, MONDO:0011628, OMIM 606054, HP:0003571.

Allele frequency attached by ClinVar (database versions not stated): TOPMed 0.00001; ExAC 0.00002.

Submissions (2):

Labcorp Genetics (formerly Invitae), Labcorp
Classification: Likely benign for Propionic acidemia. Last evaluated: 2023-06-06. Review status: criteria provided, single submitter. Criteria: Invitae Variant Classification Sherloc (09022015). Collection method: clinical testing. Allele origin: germline.

GeneDx
Classification: Likely benign. Last evaluated: 2016-02-29. Review status: criteria provided, single submitter. Criteria: GeneDx Variant Classification (06012015). Collection method: clinical testing. Allele origin: germline. Affected: yes.
Comment: This variant is considered likely benign or benign based on one or more of the following criteria: it is a conservative change, it occurs at a poorly conserved position in the protein, it is predicted to be benign by multiple in silico algorithms, and/or has population frequency not consistent with disease.

NM_000282.4(PCCA):c.1285-7C>T

Gene: PCCA (propionyl-CoA carboxylase subunit alpha; plus strand). Cytogenetic location: 13q32.3.
Variant type: single nucleotide variant.
Coding change: c.1285-7C>T on transcript NM_000282.4 (MANE Select); 7 bases into the intron before coding-DNA position 1285, C replaced by T.
Molecular consequence: intron variant.
Genome position (GRCh38, 1-based): chr13:100,307,185, C>T. VCF-style: chr13-100307185-C-T. GRCh37 (hg19) VCF-style: chr13-100959439-C-T.
Other names: c.1285-7C>T (NM_001178004.2, NM_001352605.2, NM_001352609.2); c.1141-7C>T (NM_001352606.2); c.340-7C>T (NM_001352610.2, NM_001352611.2); c.196-7C>T (NM_001352612.2); c.1207-7C>T (NM_001127692.3, NM_001352607.2); c.1063-7C>T (NM_001352608.2).
Identifiers: ClinVar variation 383288 (VCV000383288.8), dbSNP rs748531448, ClinGen allele CA7033596.